The following is an entry in ClinVar:

NM_024426.6(WT1):c.616T>C (p.Tyr206His)

Genes: WT1 (WT1 transcription factor; minus strand), LOC107982234 (WT1/WT1-AS bi-directional promoter region; plus strand). Cytogenetic location: 11p13.
Variant type: single nucleotide variant.
Coding change: c.616T>C on transcript NM_024426.6 (MANE Select); coding-DNA position 616, T replaced by C.
Protein change: p.Tyr206His; replaces tyrosine 206 with histidine.
Molecular consequence: missense variant. On other transcripts: non-coding transcript variant (1).
Genome position (GRCh38, 1-based): chr11:32,434,745, A>G on the plus strand (T>C on the coding strand, the complement: WT1 is on the minus strand). VCF-style: chr11-32434745-A-G. GRCh37 (hg19) VCF-style: chr11-32456291-A-G.
Other names: c.616T>C, p.Tyr206His (NM_000378.6, NM_001407044.1, NM_001407045.1 and 6 more transcripts); c.601T>C, p.Tyr201His (NM_024425.2); short protein forms Y201H, Y206H.
Identifiers: ClinVar variation 2016298 (VCV002016298.4), dbSNP rs2494475719, ClinGen allele CA379964525.

ClinVar aggregate classification (germline): Uncertain significance (1 of 4 stars; one submission).

Conditions:
Drash syndrome (DDS). Also called: NEPHROPATHY, WILMS TUMOR, AND GENITAL ANOMALIES; WILMS TUMOR AND PSEUDO- OR TRUE HERMAPHRODITISM. Identifiers: Orphanet 220, MedGen C0950121, MONDO:0008682, OMIM 194080.
Frasier syndrome. Identifiers: Orphanet 347, MedGen C0950122, MeSH D052159, MONDO:0007635, OMIM 136680.
Wilms tumor 1 (WT1). Also called: Wilms tumor, somatic. Identifiers: Orphanet 654, MedGen CN033288, MONDO:0008679, OMIM 194070.
11p partial monosomy syndrome (WAGR). Also called: WAGR Complex; CHROMOSOME 11p13 DELETION SYNDROME; WAGR Spectrum Disorder; WAGR syndrome. Identifiers: Orphanet 893, MedGen C0206115, MONDO:0008681, OMIM 194072.

Allele frequency attached by ClinVar (database versions not stated): gnomAD exomes below 0.00001.
gnomAD v4.1: 1 of 1,612,924 alleles (0.000062%); no homozygotes.

Submission:

Labcorp Genetics (formerly Invitae), Labcorp
Classification: Uncertain significance for Wilms tumor 1; Drash syndrome; 11p partial monosomy syndrome; Frasier syndrome. Last evaluated: 2022-07-18. Review status: criteria provided, single submitter. Criteria: Invitae Variant Classification Sherloc (09022015). Collection method: clinical testing. Allele origin: germline.
Comment: This sequence change replaces tyrosine, which is neutral and polar, with histidine, which is basic and polar, at codon 201 of the WT1 protein (p.Tyr201His). This variant is not present in population databases (gnomAD no frequency). This variant has not been reported in the literature in individuals affected with WT1-related conditions. Algorithms developed to predict the effect of missense changes on protein structure and function (SIFT, PolyPhen-2, Align-GVGD) all suggest that this variant is likely to be disruptive. In summary, the available evidence is currently insufficient to determine the role of this variant in disease. Therefore, it has been classified as a Variant of Uncertain Significance.